The following is an entry in ClinVar:

ClinVar aggregate classification (germline): Likely pathogenic (1 of 4 stars; one submission).

Submission:

Labcorp Genetics (formerly Invitae), Labcorp
Classification: Likely pathogenic. Last evaluated: 2019-07-24. Review status: criteria provided, single submitter. Criteria: Invitae Variant Classification Sherloc (09022015). Collection method: clinical testing. Allele origin: unknown.
Comment: This sequence change is a complex rearrangement involving a deletion of part of intron 12 and exon 13 (c.1405-3739_1459del) with inverted sequence from exon 13 and intron 12 in its place. The extent of the inverted sequence cannot be determined with this assay. Although the exact nature of the event is unknown, it is likely that this is an inversion of part of intron 12 and exon 13. This is expected to disrupt RNA splicing and likely results in an absent or disrupted protein product. In summary, the currently available evidence indicates that the variant is pathogenic, but additional data are needed to prove that conclusively. Therefore, this variant has been classified as Likely Pathogenic. Loss-of-function variants in PHEX are known to be pathogenic (PMID: 9097956, 9106524, 19219621). This variant has not been reported in the literature in individuals with PHEX-related conditions.

Literature cited by the submitters: PubMed 9097956; PubMed 9106524; PubMed 19219621.

NC_000023.10:g.(?_22182690)_(22186483_?)del

Gene: PHEX (phosphate regulating endopeptidase X-linked; plus strand). Cytogenetic location: Xp22.11.
Variant type: Deletion.
Identifiers: ClinVar variation 3246155 (VCV003246155.1).